The following is an entry in ClinVar:

ClinVar aggregate classification (germline): Uncertain significance. Review status: criteria provided, multiple submitters, no conflicts (2 of 4 stars). 2 submissions from 2 submitters: Uncertain significance (2). Last evaluated 2023-12-22.

Conditions:
Inborn genetic diseases. Identifiers: MedGen C0950123, MeSH D030342.

Allele frequency attached by ClinVar (database versions not stated): gnomAD exomes 0.00001 and 0.00002; gnomAD 0.00012 and 0.00013; TOPMed 0.00012.
gnomAD v4.1: 29 of 1,613,978 alleles (0.0018%); highest among the groups gnomAD compares: African/African-American, 0.036%; no homozygotes.

Submissions (2):

Ambry Genetics
Classification: Uncertain significance for Inborn genetic diseases. Last evaluated: 2023-12-22. Review status: criteria provided, single submitter. Criteria: Ambry Variant Classification Scheme 2023. Collection method: clinical testing. Allele origin: germline.

Labcorp Genetics (formerly Invitae), Labcorp
Classification: Uncertain significance. Last evaluated: 2022-10-17. Review status: criteria provided, single submitter. Criteria: Invitae Variant Classification Sherloc (09022015). Collection method: clinical testing. Allele origin: germline.
Comment: This sequence change replaces lysine, which is basic and polar, with arginine, which is basic and polar, at codon 261 of the HPS5 protein (p.Lys261Arg). This variant is present in population databases (no rsID available, gnomAD 0.02%). This variant has not been reported in the literature in individuals affected with HPS5-related conditions. ClinVar contains an entry for this variant (Variation ID: 1463607). Algorithms developed to predict the effect of missense changes on protein structure and function are either unavailable or do not agree on the potential impact of this missense change (SIFT: "Deleterious"; PolyPhen-2: "Probably Damaging"; Align-GVGD: "Class C0"). In summary, the available evidence is currently insufficient to determine the role of this variant in disease. Therefore, it has been classified as a Variant of Uncertain Significance.

NM_181507.2(HPS5):c.782A>G (p.Lys261Arg)

Gene: HPS5 (HPS5 biogenesis of lysosomal organelles complex 2 subunit 2; minus strand). Cytogenetic location: 11p15.1.
Variant type: single nucleotide variant.
Coding change: c.782A>G on transcript NM_181507.2 (MANE Select); coding-DNA position 782, A replaced by G.
Protein change: p.Lys261Arg; replaces lysine 261 with arginine.
Molecular consequence: missense variant.
Genome position (GRCh38, 1-based): chr11:18,306,177, T>C on the plus strand (A>G on the coding strand, the complement: HPS5 is on the minus strand). VCF-style: chr11-18306177-T-C. GRCh37 (hg19) VCF-style: chr11-18327724-T-C.
Other names: c.440A>G, p.Lys147Arg (NM_007216.4, NM_181508.2); short protein forms K261R, K147R.
Identifiers: ClinVar variation 1463607 (VCV001463607.6), dbSNP rs948146037, ClinGen allele CA218549739.
Genomic context (GRCh38, chr11:18,306,177, plus strand): 5'-AGCCATACAAATCGTTACCTGAGAGTAATCACAGGGAGAGGTGGCAACGAGAGGAGTTTC[T>C]TGAACTGATGTGTACTTATAACTTCTCCATCAAAGTTCACTTCCCACATCCTAGAGCCTG-3'
Protein context (NP_852608.1, residues 251-271): DGEVISTHQF[Lys261Arg]KLLSLPPLPV